The following is an entry in ClinVar:

ClinVar aggregate classification (germline): Uncertain significance (1 of 4 stars; one submission).

Submission:

GeneDx
Classification: Uncertain significance. Last evaluated: 2020-06-29. Review status: criteria provided, single submitter. Criteria: GeneDx Variant Classification Process June 2021. Collection method: clinical testing. Allele origin: germline. Affected: yes.
Comment: Not observed in large population cohorts (Lek et al., 2016); In silico analysis supports that this missense variant has a deleterious effect on protein structure/function; Has not been previously published as pathogenic or benign to our knowledge

NM_001127222.2(CACNA1A):c.5253T>G (p.Ser1751Arg)

Gene: CACNA1A (calcium voltage-gated channel subunit alpha1 A; minus strand). Cytogenetic location: 19p13.13.
Variant type: single nucleotide variant.
Coding change: c.5253T>G on transcript NM_001127222.2 (MANE Select); coding-DNA position 5253, T replaced by G.
Protein change: p.Ser1751Arg; replaces serine 1751 with arginine.
Molecular consequence: missense variant.
Genome position (GRCh38, 1-based): chr19:13,231,857, A>C on the plus strand (T>G on the coding strand, the complement: CACNA1A is on the minus strand). VCF-style: chr19-13231857-A-C. GRCh37 (hg19) VCF-style: chr19-13342671-A-C.
Other names: c.5271T>G, p.Ser1757Arg (NM_000068.4, NM_023035.3); c.5256T>G, p.Ser1752Arg (NM_001127221.2); c.5262T>G, p.Ser1754Arg (NM_001174080.2); short protein forms S1751R, S1752R, S1754R, S1757R.
Identifiers: ClinVar variation 1312793 (VCV001312793.2), dbSNP rs2144629875, ClinGen allele CA404334955.